The following is an entry in ClinVar:

ClinVar aggregate classification (germline): Uncertain significance (1 of 4 stars; one submission).

Submission:

Ambry Genetics
Classification: Uncertain significance. Last evaluated: 2021-07-02. Review status: criteria provided, single submitter. Criteria: Ambry Variant Classification Scheme 2023. Collection method: clinical testing. Allele origin: germline.
Comment: The p.S4A variant (also known as c.10T>G), located in coding exon 1 of the PRKDC gene, results from a T to G substitution at nucleotide position 10. The serine at codon 4 is replaced by alanine, an amino acid with similar properties. This amino acid position is conserved. In addition, this alteration is predicted to be tolerated by in silico analysis. Since supporting evidence is limited at this time, the clinical significance of this alteration remains unclear.

NM_006904.7(PRKDC):c.10T>G (p.Ser4Ala)

Genes: PRKDC (protein kinase, DNA-activated, catalytic subunit; minus strand), LOC129929030 (ATAC-STARR-seq lymphoblastoid silent region 19177; plus strand). Cytogenetic location: 8q11.21.
Variant type: single nucleotide variant.
Coding change: c.10T>G on transcript NM_006904.7 (MANE Select); coding-DNA position 10, T replaced by G.
Protein change: p.Ser4Ala; replaces serine 4 with alanine.
Molecular consequence: missense variant.
Genome position (GRCh38, 1-based): chr8:47,960,117, A>C on the plus strand (T>G on the coding strand, the complement: PRKDC is on the minus strand). VCF-style: chr8-47960117-A-C. GRCh37 (hg19) VCF-style: chr8-48872677-A-C.
Other names: c.10T>G, p.Ser4Ala (NM_001081640.2); short protein forms S4A.
Identifiers: ClinVar variation 1792155 (VCV001792155.2), dbSNP rs1037483837, ClinGen allele CA371143139.